The following is an entry in ClinVar:

NM_001378418.1(TCF20):c.401G>A (p.Gly134Asp)

Gene: TCF20 (transcription factor 20; minus strand). Cytogenetic location: 22q13.2.
Variant type: single nucleotide variant.
Coding change: c.401G>A on transcript NM_001378418.1 (MANE Select); coding-DNA position 401, G replaced by A.
Protein change: p.Gly134Asp; replaces glycine 134 with aspartic acid.
Molecular consequence: missense variant.
Genome position (GRCh38, 1-based): chr22:42,214,905, C>T on the plus strand (G>A on the coding strand, the complement: TCF20 is on the minus strand). VCF-style: chr22-42214905-C-T. GRCh37 (hg19) VCF-style: chr22-42610911-C-T.
Other names: c.401G>A, p.Gly134Asp (NM_005650.4, NM_181492.3); c.401G>A (NM_005650.3); short protein forms G134D.
Identifiers: ClinVar variation 2065290 (VCV002065290.6), dbSNP rs758402100, ClinGen allele CA10267363.

ClinVar aggregate classification (germline): Benign. Review status: criteria provided, single submitter (1 of 4 stars). 2 submissions from 2 submitters: Benign (1). 1 of the submissions does not count toward it. Last evaluated 2025-10-26.

Conditions:
TCF20-related disorder. Also called: TCF20-related condition.

Allele frequency attached by ClinVar (database versions not stated): gnomAD 0.00002; TOPMed 0.00006.
gnomAD v4.1: 36 of 1,614,076 alleles (0.0022%); highest among the groups gnomAD compares: Admixed American, 0.057%; no homozygotes.

Submissions (2):

Labcorp Genetics (formerly Invitae), Labcorp
Classification: Benign. Last evaluated: 2025-10-26. Review status: criteria provided, single submitter. Criteria: Invitae Variant Classification Sherloc (09022015). Collection method: clinical testing. Allele origin: germline.

PreventionGenetics, part of Exact Sciences
Classification: Likely benign for TCF20-related condition. Last evaluated: 2022-03-01. Review status: no assertion criteria provided. Collection method: clinical testing. Allele origin: germline. Not counted in ClinVar's aggregate classification.
Comment: This variant is classified as likely benign based on ACMG/AMP sequence variant interpretation guidelines (Richards et al. 2015 PMID: 25741868, with internal and published modifications).